The following is an entry in ClinVar:

ClinVar aggregate classification (germline): Uncertain significance (1 of 4 stars; one submission).

Conditions:
Hereditary cancer-predisposing syndrome. Also called: Neoplastic Syndromes, Hereditary; Tumor predisposition; Hereditary neoplastic syndrome; Hereditary Cancer Syndrome. Identifiers: Orphanet 140162, MedGen C0027672, MeSH D009386, MONDO:0015356.

gnomAD v4.1: 1 of 1,614,168 alleles (0.000062%); highest among the groups gnomAD compares: Non-Finnish European, 0.000085%; no homozygotes.

Submission:

Ambry Genetics
Classification: Uncertain significance for Hereditary cancer-predisposing syndrome. Last evaluated: 2026-08-08. Review status: criteria provided, single submitter. Criteria: Ambry Variant Classification Scheme 2023. Collection method: clinical testing. Allele origin: germline.
Comment: The p.C156F variant (also known as c.467G>T), located in coding exon 4 of the SUFU gene, results from a G to T substitution at nucleotide position 467. The cysteine at codon 156 is replaced by phenylalanine, an amino acid with highly dissimilar properties. This amino acid position is conserved. In addition, this alteration is predicted to be deleterious by in silico analysis. Based on the available evidence, the clinical significance of this variant remains unclear.

NM_016169.4(SUFU):c.467G>T (p.Cys156Phe)

Gene: SUFU (SUFU negative regulator of hedgehog signaling; plus strand). Cytogenetic location: 10q24.32.
Variant type: single nucleotide variant.
Coding change: c.467G>T on transcript NM_016169.4 (MANE Select); coding-DNA position 467, G replaced by T.
Protein change: p.Cys156Phe; replaces cysteine 156 with phenylalanine.
Molecular consequence: missense variant.
Genome position (GRCh38, 1-based): chr10:102,592,594, G>T. VCF-style: chr10-102592594-G-T. GRCh37 (hg19) VCF-style: chr10-104352351-G-T.
Other names: c.467G>T, p.Cys156Phe (NM_001178133.2); short protein forms C156F.
Identifiers: ClinVar variation 5030356 (VCV005030356.1).